The following is an entry in ClinVar:

ClinVar aggregate classification (germline): Conflicting classifications of pathogenicity. Review status: criteria provided, conflicting classifications (1 of 4 stars). 2 submissions from 2 submitters: Likely pathogenic (1); Uncertain significance (1). Last evaluated 2025-01-09.

Conditions:
Familial cancer of breast. Also called: hereditary breast carcinoma; Hereditary breast cancer; BREAST CANCER, FAMILIAL. Identifiers: Orphanet 227535, MedGen C0346153, MONDO:0016419, OMIM 114480. Disease mechanism: loss of function.
Hereditary cancer-predisposing syndrome. Also called: Tumor predisposition; Hereditary neoplastic syndrome; Neoplastic Syndromes, Hereditary; Hereditary Cancer Syndrome. Identifiers: Orphanet 140162, MedGen C0027672, MeSH D009386, MONDO:0015356.

Submissions (2):

Ambry Genetics
Classification: Likely pathogenic for Hereditary cancer-predisposing syndrome. Last evaluated: 2025-01-09. Review status: criteria provided, single submitter. Criteria: Ambry Variant Classification Scheme 2023. Collection method: clinical testing. Allele origin: germline.
Comment: The p.E295K variant (also known as c.883G>A), located in coding exon 7 of the CHEK2 gene, results from a G to A substitution at nucleotide position 883. The glutamic acid at codon 295 is replaced by lysine, an amino acid with similar properties. This nucleotide position is highly conserved in available vertebrate species. In silico splice site analysis predicts that this alteration will weaken the native splice donor site. RNA studies have demonstrated that this alteration results in abnormal splicing in the set of samples tested (Ambry internal data; Sanoguera-Miralles L et al. J Pathol 2024 Apr;262(4):395-409). Based on the majority of available evidence to date, this variant is likely to be pathogenic.

Labcorp Genetics (formerly Invitae), Labcorp
Classification: Uncertain significance for Familial cancer of breast. Last evaluated: 2024-06-04. Review status: criteria provided, single submitter. Criteria: Invitae Variant Classification Sherloc (09022015). Collection method: clinical testing. Allele origin: germline.
Comment: This sequence change replaces glutamic acid, which is acidic and polar, with lysine, which is basic and polar, at codon 295 of the CHEK2 protein (p.Glu295Lys). This variant is not present in population databases (gnomAD no frequency). This variant has not been reported in the literature in individuals affected with CHEK2-related conditions. ClinVar contains an entry for this variant (Variation ID: 1495830). An algorithm developed to predict the effect of missense changes on protein structure and function (PolyPhen-2) suggests that this variant is likely to be tolerated. Studies have shown that this missense change is associated with inconclusive levels of altered splicing (Invitae). In summary, the available evidence is currently insufficient to determine the role of this variant in disease. Therefore, it has been classified as a Variant of Uncertain Significance.

Literature cited by the submitters: PubMed 38332730 (cited by Ambry Genetics).

NM_007194.4(CHEK2):c.883G>A (p.Glu295Lys)

Gene: CHEK2 (checkpoint kinase 2; minus strand). Cytogenetic location: 22q12.1.
Variant type: single nucleotide variant.
Coding change: c.883G>A on transcript NM_007194.4 (MANE Select); coding-DNA position 883, G replaced by A.
Protein change: p.Glu295Lys; replaces glutamic acid 295 with lysine.
Molecular consequence: missense variant.
Genome position (GRCh38, 1-based): chr22:28,703,530, C>T on the plus strand (G>A on the coding strand, the complement: CHEK2 is on the minus strand). VCF-style: chr22-28703530-C-T. GRCh37 (hg19) VCF-style: chr22-29099518-C-T.
Other names: c.220G>A, p.Glu74Lys (NM_001257387.3); c.682G>A, p.Glu228Lys (NM_001349956.3); c.883G>A, p.Glu295Lys (NM_145862.3); c.1012G>A, p.Glu338Lys (NM_001005735.3); short protein forms E74K, E295K, E228K, E338K.
Identifiers: ClinVar variation 1495830 (VCV001495830.11), dbSNP rs1345979642, ClinGen allele CA411101095.
Genomic context (GRCh38, chr22:28,703,530, plus strand): 5'-TGGAAACAGAAATTTTTAAAAAGTTTACTACTTACAATTCCAAAACAATATAATAATCTT[C>T]TGCATCAAAAAAGTTTTTAATCTTGATGATGCAAGGCTAAGAAGAGGGGGAGAAAAAAGG-3'
Protein context (NP_009125.1, residues 285-305): IIKIKNFFDA[Glu295Lys]DYYIVLELME